The following is an entry in ClinVar:

NM_014681.6(DHX34):c.2826T>G (p.Ala942=)

Gene: DHX34 (DExH-box helicase 34; plus strand). Cytogenetic location: 19q13.32.
Variant type: single nucleotide variant.
Coding change: c.2826T>G on transcript NM_014681.6 (MANE Select); coding-DNA position 2826, T replaced by G.
Protein change: p.Ala942=; no amino-acid change (alanine 942 retained).
Molecular consequence: synonymous variant.
Genome position (GRCh38, 1-based): chr19:47,379,829, T>G. VCF-style: chr19-47379829-T-G. GRCh37 (hg19) VCF-style: chr19-47883086-T-G.
Identifiers: ClinVar variation 3057123 (VCV003057123.2), dbSNP rs28522883, ClinGen allele CA9538717.
Genomic context (GRCh38, chr19:47,379,829, plus strand): 5'-CGATGGCTGGCTGGAGCTGCAGCTAGCAGACAGTGAAAGTGCCATCCGACTCCTGGCGGC[T>G]TCCCTGCGGCTCCGTGCCCGCTGGGAAAGTGCCCTGGACCGGCAGCTGGCGCACCAGGCC-3'
Protein context (NP_055496.2, residues 932-952): DSESAIRLLA[Ala942=]SLRLRARWES

ClinVar aggregate classification (germline): Benign (0 of 4 stars; one submission).

Conditions:
DHX34-related disorder. Also called: DHX34-related condition.

Allele frequency attached by ClinVar (database versions not stated): 1000 Genomes Project 30x 0.08510; 1000 Genomes Project 0.08746; TOPMed 0.11913; gnomAD 0.12064; ExAC 0.12418; ESP Exome Variant Server 0.13094.
gnomAD v4.1: 226,870 of 1,613,640 alleles (14%); highest among the groups gnomAD compares: Middle Eastern, 17%; 17,068 homozygotes.

Submission:

PreventionGenetics, part of Exact Sciences
Classification: Benign for DHX34-related condition. Last evaluated: 2019-10-30. Review status: no assertion criteria provided. Collection method: clinical testing. Allele origin: germline.
Comment: This variant is classified as benign based on ACMG/AMP sequence variant interpretation guidelines (Richards et al. 2015 PMID: 25741868, with internal and published modifications).